The following is an entry in ClinVar:

NM_005902.4(SMAD3):c.1195C>T (p.His399Tyr)

Gene: SMAD3 (SMAD family member 3; plus strand). Cytogenetic location: 15q22.33.
Variant type: single nucleotide variant.
Coding change: c.1195C>T on transcript NM_005902.4 (MANE Select); coding-DNA position 1195, C replaced by T.
Protein change: p.His399Tyr; replaces histidine 399 with tyrosine.
Molecular consequence: missense variant.
Genome position (GRCh38, 1-based): chr15:67,190,453, C>T. VCF-style: chr15-67190453-C-T. GRCh37 (hg19) VCF-style: chr15-67482791-C-T.
Other names: c.880C>T, p.His294Tyr (NM_001145102.2); c.1063C>T, p.His355Tyr (NM_001145103.2); c.610C>T, p.His204Tyr (NM_001145104.2); short protein forms H204Y, H294Y, H399Y, H355Y.
Identifiers: ClinVar variation 843759 (VCV000843759.8), dbSNP rs1233301604, ClinGen allele CA392958757.

ClinVar aggregate classification (germline): Uncertain significance (1 of 4 stars; one submission).

Conditions:
Familial thoracic aortic aneurysm and aortic dissection (TAAD). Also called: Thoracic aortic aneurysms and dissections. Identifiers: Orphanet 91387, MedGen C4707243, MONDO:0019625.

Allele frequency attached by ClinVar (database versions not stated): TOPMed 0.00001.

Submission:

Labcorp Genetics (formerly Invitae), Labcorp
Classification: Uncertain significance for Familial thoracic aortic aneurysm and aortic dissection. Last evaluated: 2019-12-13. Review status: criteria provided, single submitter. Criteria: Invitae Variant Classification Sherloc (09022015). Collection method: clinical testing. Allele origin: germline.
Comment: This sequence change replaces histidine with tyrosine at codon 399 of the SMAD3 protein (p.His399Tyr). The histidine residue is highly conserved and there is a moderate physicochemical difference between histidine and tyrosine. In summary, the available evidence is currently insufficient to determine the role of this variant in disease. Therefore, it has been classified as a Variant of Uncertain Significance. Algorithms developed to predict the effect of missense changes on protein structure and function are either unavailable or do not agree on the potential impact of this missense change (SIFT: "Not Available"; PolyPhen-2: "Probably Damaging"; Align-GVGD: "Not Available"). This variant has not been reported in the literature in individuals with SMAD3-related conditions. This variant is not present in population databases (ExAC no frequency).